The following is an entry in ClinVar:

ClinVar aggregate classification (germline): Uncertain significance. Review status: criteria provided, multiple submitters, no conflicts (2 of 4 stars). 3 submissions from 3 submitters: Uncertain significance (3). Last evaluated 2024-09-23.

Conditions:
Hereditary nonpolyposis colorectal neoplasms. Identifiers: MedGen C0009405, MeSH D003123.
Lynch syndrome. Identifiers: Orphanet 144, MedGen C4552100, MONDO:0005835. Disease mechanism: loss of function.
Hereditary cancer-predisposing syndrome. Also called: Hereditary neoplastic syndrome; Neoplastic Syndromes, Hereditary; Hereditary Cancer Syndrome; Tumor predisposition. Identifiers: Orphanet 140162, MedGen C0027672, MeSH D009386, MONDO:0015356.

Submissions (3):

All of Us Research Program, National Institutes of Health
Classification: Uncertain significance for Lynch syndrome. Last evaluated: 2024-09-23. Review status: criteria provided, single submitter. Criteria: ACMG Guidelines, 2015. Collection method: clinical testing. Allele origin: germline. Inheritance: Autosomal dominant inheritance. Observed: 1 variant allele, 1 heterozygote.
Comment: This study involves interpretation of variants in research participants for the purpose of population health screening. Participant phenotype was not available at the time of variant classification. Additional details can be found in publication PMID: 35346344, PMCID: PMC8962531

Labcorp Genetics (formerly Invitae), Labcorp
Classification: Uncertain significance for Hereditary nonpolyposis colorectal neoplasms. Last evaluated: 2023-11-13. Review status: criteria provided, single submitter. Criteria: Invitae Variant Classification Sherloc (09022015). Collection method: clinical testing. Allele origin: germline.
Comment: This sequence change replaces lysine, which is basic and polar, with threonine, which is neutral and polar, at codon 606 of the MSH6 protein (p.Lys606Thr). This variant is not present in population databases (gnomAD no frequency). This variant has not been reported in the literature in individuals affected with MSH6-related conditions. ClinVar contains an entry for this variant (Variation ID: 1718916). Advanced modeling of protein sequence and biophysical properties (such as structural, functional, and spatial information, amino acid conservation, physicochemical variation, residue mobility, and thermodynamic stability) performed at Invitae indicates that this missense variant is not expected to disrupt MSH6 protein function with a negative predictive value of 95%. In summary, the available evidence is currently insufficient to determine the role of this variant in disease. Therefore, it has been classified as a Variant of Uncertain Significance.

Ambry Genetics
Classification: Uncertain significance for Hereditary cancer-predisposing syndrome. Last evaluated: 2023-10-09. Review status: criteria provided, single submitter. Criteria: Ambry Variant Classification Scheme 2023. Collection method: clinical testing. Allele origin: germline.
Comment: The p.K606T variant (also known as c.1817A>C), located in coding exon 4 of the MSH6 gene, results from an A to C substitution at nucleotide position 1817. The lysine at codon 606 is replaced by threonine, an amino acid with similar properties. This amino acid position is not well conserved in available vertebrate species. In addition, this alteration is predicted to be tolerated by in silico analysis. Since supporting evidence is limited at this time, the clinical significance of this alteration remains unclear.

NM_000179.3(MSH6):c.1817A>C (p.Lys606Thr)

Gene: MSH6 (mutS homolog 6; plus strand). Cytogenetic location: 2p16.3.
Variant type: single nucleotide variant.
Coding change: c.1817A>C on transcript NM_000179.3 (MANE Select); coding-DNA position 1817, A replaced by C.
Protein change: p.Lys606Thr; replaces lysine 606 with threonine.
Molecular consequence: missense variant.
Genome position (GRCh38, 1-based): chr2:47,799,800, A>C. VCF-style: chr2-47799800-A-C. GRCh37 (hg19) VCF-style: chr2-48026939-A-C.
Other names: c.911A>C, p.Lys304Thr (NM_001406829.1, NM_001281493.2, NM_001281494.2 and 6 more transcripts); c.1520A>C, p.Lys507Thr (NM_001406830.1, NM_001406797.1, NM_001406801.1 and 10 more transcripts); c.1427A>C, p.Lys476Thr (NM_001281492.2); c.1913A>C, p.Lys638Thr (NM_001406795.1, NM_001406802.1); c.1817A>C, p.Lys606Thr (NM_001406796.1, NM_001406798.1, NM_001406800.1 and 3 more transcripts); c.1292A>C, p.Lys431Thr (NM_001406799.1, NM_001406806.1, NM_001406807.1); c.1739A>C, p.Lys580Thr (NM_001406804.1); c.1823A>C, p.Lys608Thr (NM_001406813.1); and 1 more; short protein forms K304T, K431T, K476T, K507T, K550T, K580T, K606T, K608T.
Identifiers: ClinVar variation 1718916 (VCV001718916.9), dbSNP rs1572724507, ClinGen allele CA346749426.